The following is an entry in ClinVar:

ClinVar aggregate classification (germline): Uncertain significance. Review status: criteria provided, multiple submitters, no conflicts (2 of 4 stars). 2 submissions from 2 submitters: Uncertain significance (2). Last evaluated 2025-11-12.

gnomAD v4.1: 1 of 1,614,118 alleles (0.000062%); highest among the groups gnomAD compares: African/African-American, 0.0013%; no homozygotes.

Submissions (2):

Ambry Genetics
Classification: Uncertain significance. Last evaluated: 2025-11-12. Review status: criteria provided, single submitter. Criteria: Ambry Variant Classification Scheme 2023. Collection method: clinical testing. Allele origin: germline.

Labcorp Genetics (formerly Invitae), Labcorp
Classification: Uncertain significance. Last evaluated: 2024-05-19. Review status: criteria provided, single submitter. Criteria: Invitae Variant Classification Sherloc (09022015). Collection method: clinical testing. Allele origin: germline.
Comment: This sequence change replaces leucine, which is neutral and non-polar, with histidine, which is basic and polar, at codon 364 of the KRT74 protein (p.Leu364His). This variant is not present in population databases (gnomAD no frequency). This variant has not been reported in the literature in individuals affected with KRT74-related conditions. Advanced modeling of protein sequence and biophysical properties (such as structural, functional, and spatial information, amino acid conservation, physicochemical variation, residue mobility, and thermodynamic stability) performed at Invitae indicates that this missense variant is not expected to disrupt KRT74 protein function with a negative predictive value of 80%. In summary, the available evidence is currently insufficient to determine the role of this variant in disease. Therefore, it has been classified as a Variant of Uncertain Significance.

NM_175053.4(KRT74):c.1091T>A (p.Leu364His)

Gene: KRT74 (keratin 74; minus strand). Cytogenetic location: 12q13.13.
Variant type: single nucleotide variant.
Coding change: c.1091T>A on transcript NM_175053.4 (MANE Select); coding-DNA position 1091, T replaced by A.
Protein change: p.Leu364His; replaces leucine 364 with histidine.
Molecular consequence: missense variant.
Genome position (GRCh38, 1-based): chr12:52,569,902, A>T on the plus strand (T>A on the coding strand, the complement: KRT74 is on the minus strand). VCF-style: chr12-52569902-A-T. GRCh37 (hg19) VCF-style: chr12-52963686-A-T.
Other names: c.1091T>A (NM_175053.3); short protein forms L364H.
Identifiers: ClinVar variation 3699592 (VCV003699592.3).